The following is an entry in ClinVar:

NM_018161.5(NADSYN1):c.87T>A (p.Ser29Arg)

Gene: NADSYN1 (NAD synthetase 1; plus strand). Cytogenetic location: 11q13.4.
Variant type: single nucleotide variant.
Coding change: c.87T>A on transcript NM_018161.5 (MANE Select); coding-DNA position 87, T replaced by A.
Protein change: p.Ser29Arg; replaces serine 29 with arginine.
Molecular consequence: missense variant.
Genome position (GRCh38, 1-based): chr11:71,455,111, T>A. VCF-style: chr11-71455111-T-A. GRCh37 (hg19) VCF-style: chr11-71166157-T-A.
Other names: short protein forms S29R.
Identifiers: ClinVar variation 3382593 (VCV003382593.3).

ClinVar aggregate classification (germline): Uncertain significance (1 of 4 stars; one submission).

Conditions:
Vertebral, cardiac, renal, and limb defects syndrome 3. Also called: CONGENITAL NAD DEFICIENCY DISORDER 3. Identifiers: MedGen C5394250, MONDO:0030077, OMIM 618845.

gnomAD v4.1: 1 of 1,612,826 alleles (0.000062%); highest among the groups gnomAD compares: East Asian, 0.0022%; no homozygotes.

Submission:

Juno Genomics, Hangzhou Juno Genomics, Inc
Classification: Uncertain significance for Vertebral, cardiac, renal, and limb defects syndrome 3. Review status: criteria provided, single submitter. Criteria: ACMG Guidelines, 2015. Collection method: clinical testing. Allele origin: germline. Affected: yes.
Comment: Absent from controls (or at extremely low frequency if recessive) in Genome Aggregation Database, Exome Sequencing Project, 1000 Genomes Project, or Exome Aggregation Consortium.;Multiple lines of computational evidence support a deleterious effect on the gene or gene product (conservation, evolutionary, splicing impact, etc).;For recessive disorders, detected in trans with a pathogenic variant.